The following is an entry in ClinVar:

ClinVar aggregate classification (germline): Uncertain significance (1 of 4 stars; one submission).

Conditions:
Nephronophthisis. Also called: Juvenile Nephronophthisis. Identifiers: Orphanet 655, MedGen C0687120, MONDO:0019005, HP:0000090.

Allele frequency attached by ClinVar (database versions not stated): TOPMed below 0.00001.

Submission:

Labcorp Genetics (formerly Invitae), Labcorp
Classification: Uncertain significance for Nephronophthisis. Last evaluated: 2021-09-09. Review status: criteria provided, single submitter. Criteria: Invitae Variant Classification Sherloc (09022015). Collection method: clinical testing. Allele origin: germline.
Comment: This sequence change replaces leucine with valine at codon 200 of the NPHP3 protein (p.Leu200Val). The leucine residue is highly conserved and there is a small physicochemical difference between leucine and valine. This variant is not present in population databases (ExAC no frequency). This variant has not been reported in the literature in individuals affected with NPHP3-related conditions. Algorithms developed to predict the effect of missense changes on protein structure and function are either unavailable or do not agree on the potential impact of this missense change (SIFT: "Deleterious"; PolyPhen-2: "Possibly Damaging"; Align-GVGD: "Class C0"). Algorithms developed to predict the effect of sequence changes on RNA splicing suggest that this variant may create or strengthen a splice site. In summary, the available evidence is currently insufficient to determine the role of this variant in disease. Therefore, it has been classified as a Variant of Uncertain Significance.

NM_153240.5(NPHP3):c.598C>G (p.Leu200Val)

Genes: NPHP3 (nephrocystin 3; minus strand), NPHP3-ACAD11 (NPHP3-ACAD11 readthrough (NMD candidate); minus strand). Cytogenetic location: 3q22.1.
Variant type: single nucleotide variant.
Coding change: c.598C>G on transcript NM_153240.5 (MANE Select); coding-DNA position 598, C replaced by G.
Protein change: p.Leu200Val; replaces leucine 200 with valine.
Molecular consequence: missense variant. On other transcripts: non-coding transcript variant (1).
Genome position (GRCh38, 1-based): chr3:132,719,066, G>C on the plus strand (C>G on the coding strand, the complement: NPHP3 is on the minus strand). VCF-style: chr3-132719066-G-C. GRCh37 (hg19) VCF-style: chr3-132437910-G-C.
Other names: short protein forms L200V.
Identifiers: ClinVar variation 1484077 (VCV001484077.6), dbSNP rs1940132912, ClinGen allele CA354587151.